The following is an entry in ClinVar:

NC_000009.12:g.70809989T>C

Genes: MIR204 (microRNA 204; minus strand), TRPM3 (transient receptor potential cation channel subfamily M member 3; minus strand). Cytogenetic location: 9q21.12.
Variant type: single nucleotide variant.
Molecular consequence: intron variant (on NM_001366145.2). On other transcripts: non-coding transcript variant (1).
Genome position: GRCh38 VCF-style: chr9-70809989-T-C. GRCh37 (hg19) VCF-style: chr9-73424905-T-C.
Other names: c.979+17858A>G (NM_001366143.2, NM_001366141.2, NM_001366142.2 and 1 more transcripts); c.973+17858A>G (NM_001366150.2, NM_001366151.2, NM_001007471.4 and 4 more transcripts); c.1048+1181A>G (NM_001366148.2, NM_001366152.2, NM_001366147.2); c.514+17858A>G (NM_206944.5, NM_020952.6, NM_206945.5 and 3 more transcripts); c.589+1181A>G (NM_206947.5, NM_206946.5, NM_001007470.3).
Identifiers: ClinVar variation 1483549 (VCV001483549.6), dbSNP rs779027118, ClinGen allele CA5078763.

ClinVar aggregate classification (germline): Uncertain significance (1 of 4 stars; one submission).

Allele frequency attached by ClinVar (database versions not stated): 1000 Genomes Project 30x 0.00016.
gnomAD v4.1: 102 of 534,684 alleles (0.019%); highest among the groups gnomAD compares: Middle Eastern, 0.095%; no homozygotes.

Submission:

Labcorp Genetics (formerly Invitae), Labcorp
Classification: Uncertain significance. Last evaluated: 2025-04-23. Review status: criteria provided, single submitter. Criteria: Invitae Variant Classification Sherloc (09022015). Collection method: clinical testing. Allele origin: germline.
Comment: This variant occurs in the MIR204 gene, which encodes an RNA molecule that does not result in a protein product. This variant is present in population databases (rs779027118, gnomAD 0.03%), and has an allele count higher than expected for a pathogenic variant. This variant has not been reported in the literature in individuals affected with MIR204-related conditions. ClinVar contains an entry for this variant (Variation ID: 1483549). Experimental studies and prediction algorithms are not available or were not evaluated, and the functional significance of this variant is currently unknown. In summary, the available evidence is currently insufficient to determine the role of this variant in disease. Therefore, it has been classified as a Variant of Uncertain Significance.